The following is an entry in ClinVar:

NM_005477.3(HCN4):c.196G>C (p.Glu66Gln)

Gene: HCN4 (hyperpolarization activated cyclic nucleotide gated potassium channel 4; minus strand). Cytogenetic location: 15q24.1.
Variant type: single nucleotide variant.
Coding change: c.196G>C on transcript NM_005477.3 (MANE Select); coding-DNA position 196, G replaced by C.
Protein change: p.Glu66Gln; replaces glutamic acid 66 with glutamine.
Molecular consequence: missense variant.
Genome position (GRCh38, 1-based): chr15:73,368,075, C>G on the plus strand (G>C on the coding strand, the complement: HCN4 is on the minus strand). VCF-style: chr15-73368075-C-G. GRCh37 (hg19) VCF-style: chr15-73660416-C-G.
Other names: short protein forms E66Q.
Identifiers: ClinVar variation 966305 (VCV000966305.9), dbSNP rs786205803, ClinGen allele CA393098745.

ClinVar aggregate classification (germline): Uncertain significance (1 of 4 stars; one submission).

Conditions:
Brugada syndrome 8 (BRGDA8). Identifiers: Orphanet 130, MedGen C2751083, MONDO:0013148, OMIM 613123.

Allele frequency attached by ClinVar (database versions not stated): TOPMed 0.00001.
gnomAD v4.1: 2 of 1,487,394 alleles (0.00013%); highest among the groups gnomAD compares: East Asian, 0.0028%; no homozygotes.

Submission:

Labcorp Genetics (formerly Invitae), Labcorp
Classification: Uncertain significance for Brugada syndrome 8. Last evaluated: 2025-10-02. Review status: criteria provided, single submitter. Criteria: Invitae Variant Classification Sherloc (09022015). Collection method: clinical testing. Allele origin: germline.
Comment: This sequence change replaces glutamic acid, which is acidic and polar, with glutamine, which is neutral and polar, at codon 66 of the HCN4 protein (p.Glu66Gln). This variant is not present in population databases (gnomAD no frequency). This missense change has been observed in individual(s) with unexplained death (PMID: 30578647). ClinVar contains an entry for this variant (Variation ID: 966305). Invitae Evidence Modeling of protein sequence and biophysical properties (such as structural, functional, and spatial information, amino acid conservation, physicochemical variation, residue mobility, and thermodynamic stability) indicates that this missense variant is not expected to disrupt HCN4 protein function with a negative predictive value of 95%. Experimental studies have shown that this missense change does not substantially affect HCN4 function (PMID: 30578647). In summary, the available evidence is currently insufficient to determine the role of this variant in disease. Therefore, it has been classified as a Variant of Uncertain Significance.

Literature cited by the submitters: PubMed 30578647.